The following is an entry in ClinVar:

ClinVar aggregate classification (germline): Benign (1 of 4 stars; one submission).

Conditions:
Peters plus syndrome. Also called: KRAUSE-KIVLIN SYNDROME. Identifiers: Orphanet 709, MedGen C0796012, MONDO:0009856, OMIM 261540.

Allele frequency attached by ClinVar (database versions not stated): gnomAD 0.00046 and 0.00065; TOPMed 0.00069; 1000 Genomes Project 0.00399; 1000 Genomes Project 30x 0.00422.
gnomAD v4.1: 98 of 152,356 alleles (0.064%); highest among the groups gnomAD compares: East Asian, 1.9%; 2 homozygotes.

Submission:

Illumina Laboratory Services, Illumina
Classification: Benign for Peters plus syndrome. Last evaluated: 2018-01-13. Review status: criteria provided, single submitter. Criteria: ICSL Variant Classification Criteria 13 December 2019. Collection method: clinical testing. Allele origin: germline.
Comment: This variant was observed in the ICSL laboratory as part of a predisposition screen in an ostensibly healthy population. It had not been previously curated by ICSL or reported in the Human Gene Mutation Database (HGMD: prior to June 1st, 2018), and was therefore a candidate for classification through an automated scoring system. Utilizing variant allele frequency, disease prevalence and penetrance estimates, and inheritance mode, an automated score was calculated to assess if this variant is too frequent to cause the disease. Based on the score and internal cut-off values, a variant classified as benign is not then subjected to further curation. The score for this variant resulted in a classification of benign for this disease.

NM_194318.4(B3GLCT):c.*2101T>C

Gene: B3GLCT (beta 3-glucosyltransferase; plus strand). Cytogenetic location: 13q12.3.
Variant type: single nucleotide variant.
Coding change: c.*2101T>C on transcript NM_194318.4 (MANE Select); 2101 bases downstream of the stop codon, T replaced by C.
Molecular consequence: 3 prime UTR variant.
Genome position (GRCh38, 1-based): chr13:31,331,769, T>C. VCF-style: chr13-31331769-T-C. GRCh37 (hg19) VCF-style: chr13-31905906-T-C.
Identifiers: ClinVar variation 883948 (VCV000883948.4), dbSNP rs80102047, ClinGen allele CA247893187.